The following is an entry in ClinVar:

NM_020435.4(GJC2):c.602G>A (p.Arg201Gln)

Gene: GJC2 (gap junction protein gamma 2; plus strand). Cytogenetic location: 1q42.13.
Variant type: single nucleotide variant.
Coding change: c.602G>A on transcript NM_020435.4 (MANE Select); coding-DNA position 602, G replaced by A.
Protein change: p.Arg201Gln; replaces arginine 201 with glutamine.
Molecular consequence: missense variant.
Genome position (GRCh38, 1-based): chr1:228,158,360, G>A. VCF-style: chr1-228158360-G-A. GRCh37 (hg19) VCF-style: chr1-228346061-G-A.
Other names: short protein forms R201Q.
Identifiers: ClinVar variation 4974648 (VCV004974648.1).

ClinVar aggregate classification (germline): Uncertain significance (1 of 4 stars; one submission).

Conditions:
Leukodystrophy, hypomyelinating, 2. Also called: PELIZAEUS-MERZBACHER-LIKE DISEASE, 1. Identifiers: Orphanet 280270, Orphanet 280282, MedGen C1837355, MONDO:0012125, OMIM 608804.
Lymphatic malformation 3 (LMPHM3). Identifiers: Orphanet 79452, MedGen C4747646, MONDO:0013278, OMIM 613480.

Submission:

Clinical Genomics Laboratory, Washington University in St. Louis
Classification: Uncertain significance for Leukodystrophy, hypomyelinating, 2; Lymphatic malformation 3. Last evaluated: 2026-04-10. Review status: criteria provided, single submitter. Criteria: ACMG Guidelines, 2015. Collection method: clinical testing. Allele origin: germline.
Comment: A GJC2 c.602G>A (p.Arg201Gln) variant was identified at a near-heterozygous allelic fraction of 48.2%, a frequency which may be consistent with it being of germline origin. This variant, to our knowledge, has not been reported in the medical literature or the ClinVar database. It is only observed on 1/1,594,238 alleles in the general population (gnomAD v4.1.1), indicating it is not a common variant. Computational predictors indicate that the variant is damaging, evidence that correlates with impact on GJC2 function. Due to limited information, and based on ACMG/AMP guidelines for variant interpretation (Richards S et al., PMID: 25741868), the clinical significance of this variant is uncertain at this time.

Literature cited by the submitters: uncertain.